The following is an entry in ClinVar:

ClinVar aggregate classification (germline): Uncertain significance. Review status: criteria provided, multiple submitters, no conflicts (2 of 4 stars). 6 submissions from 6 submitters: Uncertain significance (6). Last evaluated 2025-10-08.

Conditions:
Emery-Dreifuss muscular dystrophy 7, autosomal dominant (EDMD7). Also called: Emery-Dreifuss muscular dystrophy 7, AD. Identifiers: Orphanet 261, MedGen C3553060, MONDO:0013677, OMIM 614302.
Auditory neuropathy, autosomal dominant 3 (AUNA3). Identifiers: MedGen C5676964, MONDO:0859235, OMIM 619832.
Arrhythmogenic right ventricular dysplasia 5. Also called: Arrhythmogenic Right Ventricular Dysplasia/Cardiomyopathy 5; ARRHYTHMOGENIC RIGHT VENTRICULAR DYSPLASIA, FAMILIAL, 5. Identifiers: MedGen C1858379, MONDO:0011459, OMIM 604400.
Cardiomyopathy (CMYO). Also called: Cardiomyopathies. Identifiers: Orphanet 167848, MedGen C0878544, MONDO:0004994, HP:0001638. Inheritance: Various modes of inheritance.
Cardiovascular phenotype. Identifiers: MedGen CN230736.

Allele frequency attached by ClinVar (database versions not stated): gnomAD exomes below 0.00001; TOPMed below 0.00001; ExAC 0.00001.

Submissions (6):

Labcorp Genetics (formerly Invitae), Labcorp
Classification: Uncertain significance for Arrhythmogenic right ventricular dysplasia 5. Last evaluated: 2025-10-08. Review status: criteria provided, single submitter. Criteria: Invitae Variant Classification Sherloc (09022015). Collection method: clinical testing. Allele origin: germline.
Comment: This sequence change affects the initiator codon of the TMEM43 mRNA. This change may impact translation initiation or efficiency. The next in-frame methionine is located at codon 36. This variant is present in population databases (rs757083718, gnomAD 0.0009%). This variant has not been reported in the literature in individuals affected with TMEM43-related conditions. ClinVar contains an entry for this variant (Variation ID: 519307). In summary, the available evidence is currently insufficient to determine the role of this variant in disease. Therefore, it has been classified as a Variant of Uncertain Significance.

Color Diagnostics, LLC DBA Color Health
Classification: Uncertain significance for Cardiomyopathy. Last evaluated: 2025-08-26. Review status: criteria provided, single submitter. Criteria: ACMG Guidelines, 2015. Collection method: clinical testing. Allele origin: germline.
Comment: This variant results in the loss of methionine residue in codon 1 in the TMEM43 protein. This variant is expected to result in the loss of translation start codon. This variant has not been reported in individuals affected with TMEM43-related disorders in the literature. This variant has been identified in 1/238152 chromosomes in the general population by the Genome Aggregation Database (gnomAD). Loss of TMEM43 gene function is not an established disease mechanism for autosomal dominant arrhythmogenic right ventricular cardiomyopathy/ The available evidence is insufficient to determine the role of this variant in disease conclusively. Therefore, this variant is classified as a Variant of Uncertain Significance.

All of Us Research Program, National Institutes of Health
Classification: Uncertain significance for Arrhythmogenic right ventricular dysplasia 5. Last evaluated: 2023-08-15. Review status: criteria provided, single submitter. Criteria: ACMG Guidelines, 2015. Collection method: clinical testing. Allele origin: germline. Inheritance: Autosomal dominant inheritance. Observed: 1 variant allele, 1 heterozygote.
Comment: This study involves interpretation of variants in research participants for the purpose of population health screening. Participant phenotype was not available at the time of variant classification. Additional details can be found in publication PMID: 35346344, PMCID: PMC8962531

Department of Pathology and Laboratory Medicine, Sinai Health System
Classification: Uncertain significance for Arrhythmogenic right ventricular dysplasia 5; Emery-Dreifuss muscular dystrophy 7, autosomal dominant; Auditory neuropathy, autosomal dominant 3. Last evaluated: 2023-06-12. Review status: criteria provided, single submitter. Criteria: ACMG Guidelines, 2015. Collection method: research. Allele origin: germline.

Fulgent Genetics
Classification: Uncertain significance for Arrhythmogenic right ventricular dysplasia 5; Emery-Dreifuss muscular dystrophy 7, autosomal dominant; Auditory neuropathy, autosomal dominant 3. Last evaluated: 2021-09-16. Review status: criteria provided, single submitter. Criteria: ACMG Guidelines, 2015. Collection method: clinical testing. Allele origin: unknown.

Ambry Genetics
Classification: Uncertain significance for Cardiovascular phenotype. Last evaluated: 2016-08-10. Review status: criteria provided, single submitter. Criteria: Ambry Variant Classification Scheme 2023. Collection method: clinical testing. Allele origin: germline.
Comment: The p.M1? variant (also known as c.1A>G), located in coding exon 1 of the TMEM43 gene, results from an A to G substitution at nucleotide position 1. This alters the methionine residue at the initiation codon. Based on data from ExAC, the G allele has an overall frequency of <0.01% (1/81382). This amino acid position is highly conserved in available vertebrate species. Variations that modify the initiation codon (ATG) are expected to result in either loss of translation initiation, N-terminal truncation, or cause a shift in the mRNA reading frame. There are alternate in-frame methionines 36 and 41 amino acids downstream from this initiation site which may result in an N-terminal truncation; however, direct evidence is unavailable. While the N-terminus of this protein is expected to be structurally important (Bengtsson L et al. J. Cell. Sci., 2008 Feb;121:536-48), its functional significance is not well established. Furthermore, loss of function of TMEM43 has not been clearly established as a mechanism of disease. Since supporting evidence is limited at this time, the clinical significance of this variant remains unclear.

Literature cited by the submitters: PubMed 18230648 (cited by Ambry Genetics).

NM_024334.3(TMEM43):c.1A>G (p.Met1Val)

Gene: TMEM43 (transmembrane protein 43; plus strand). Cytogenetic location: 3p25.1.
Variant type: single nucleotide variant.
Coding change: c.1A>G on transcript NM_024334.3 (MANE Select); coding-DNA position 1, A replaced by G.
Protein change: p.Met1Val; changes the start codon (methionine 1).
Molecular consequence: missense variant, initiator codon variant.
Genome position (GRCh38, 1-based): chr3:14,125,194, A>G. VCF-style: chr3-14125194-A-G. GRCh37 (hg19) VCF-style: chr3-14166694-A-G.
Other names: short protein forms M1V.
Identifiers: ClinVar variation 519307 (VCV000519307.10), dbSNP rs757083718, ClinGen allele CA052143.